The following is an entry in ClinVar:

ClinVar aggregate classification (germline): Uncertain significance (1 of 4 stars; one submission).

Submission:

Labcorp Genetics (formerly Invitae), Labcorp
Classification: Uncertain significance. Last evaluated: 2023-08-08. Review status: criteria provided, single submitter. Criteria: Invitae Variant Classification Sherloc (09022015). Collection method: clinical testing. Allele origin: germline.
Comment: This sequence change affects codon 529 of the IL6ST mRNA. It is a 'silent' change, meaning that it does not change the encoded amino acid sequence of the IL6ST protein. This variant is not present in population databases (gnomAD no frequency). This variant has not been reported in the literature in individuals affected with IL6ST-related conditions. Algorithms developed to predict the effect of sequence changes on RNA splicing suggest that this variant may disrupt the consensus splice site. In summary, the available evidence is currently insufficient to determine the role of this variant in disease. Therefore, it has been classified as a Variant of Uncertain Significance.

NM_002184.4(IL6ST):c.1587A>G (p.Lys529=)

Gene: IL6ST (interleukin 6 cytokine family signal transducer; minus strand). Cytogenetic location: 5q11.2.
Variant type: single nucleotide variant.
Coding change: c.1587A>G on transcript NM_002184.4 (MANE Select); coding-DNA position 1587, A replaced by G.
Protein change: p.Lys529=; no amino-acid change (lysine 529 retained).
Molecular consequence: synonymous variant. On other transcripts: 3 prime UTR variant (1), non-coding transcript variant (2).
Genome position (GRCh38, 1-based): chr5:55,952,041, T>C on the plus strand (A>G on the coding strand, the complement: IL6ST is on the minus strand). VCF-style: chr5-55952041-T-C. GRCh37 (hg19) VCF-style: chr5-55247869-T-C.
Other names: c.1404A>G, p.Lys468= (NM_001190981.2); c.1485A>G, p.Lys495= (NM_001364275.2); c.1377A>G, p.Lys459= (NM_001364276.2); c.720A>G, p.Lys240= (NM_001364277.2); c.684A>G, p.Lys228= (NM_001364278.2); c.591A>G, p.Lys197= (NM_001364279.2); c.*514A>G (NM_175767.3).
Identifiers: ClinVar variation 2877978 (VCV002877978.3), dbSNP rs2533482117, ClinGen allele CA444206320.
Genomic context (GRCh38, chr5:55,952,041, plus strand): 5'-TCCATTCTGAACATCAACAGGAAGTTGGTCCCACTCTAAGACAGCTTCGTTTTTCCCTAC[T>C]TTTTTTGTCCGAACAGTAGGTCCTTTGGAAGGTGCTGTAACAGAGTGAACACATTTGCTA-3'
Protein context (NP_002175.2, residues 519-539): PSKGPTVRTK[Lys529=]VGKNEAVLEW